The following is an entry in ClinVar:

ClinVar aggregate classification (germline): Pathogenic (1 of 4 stars; one submission).

Conditions:
Methylmalonic aciduria and homocystinuria type cblD (MAHCD). Also called: Methylmalonic aciduria with homocystinuria cblD type; METHYLMALONIC ACIDEMIA, cblH TYPE. Identifiers: Orphanet 622, Orphanet 79283, MedGen C1848552, MONDO:0010185, OMIM 277410.

Submission:

Labcorp Genetics (formerly Invitae), Labcorp
Classification: Pathogenic for Methylmalonic acidemia with homocystinuria cblD. Last evaluated: 2019-03-13. Review status: criteria provided, single submitter. Criteria: Invitae Variant Classification Sherloc (09022015). Collection method: clinical testing. Allele origin: germline.
Comment: A gross deletion of the genomic region encompassing the full coding sequence of the MMADHC gene has been identified. The boundaries of this event are unknown as the deletion extends beyond the assayed region for this gene and therefore may encompass additional genes. This variant has not been reported in the literature in individuals with MMADHC-related conditions. Loss-of-function variants in MMADHC are known to be pathogenic (PMID: 18385497). For these reasons, this variant has been classified as Pathogenic.

NC_000002.12:g.(?_149569954)_(149587117_?)del

Gene: MMADHC (metabolism of cobalamin associated D; minus strand). Cytogenetic location: 2q23.2.
Variant type: Deletion.
Identifiers: ClinVar variation 832146 (VCV000832146.1).